The following is an entry in ClinVar:

NM_022455.5(NSD1):c.6020_6021dup (p.Asp2008fs)

Gene: NSD1 (nuclear receptor binding SET domain protein 1; plus strand). Cytogenetic location: 5q35.3.
Variant type: Duplication.
Coding change: c.6020_6021dup on transcript NM_022455.5 (MANE Select); coding-DNA positions 6020 to 6021, 2 bases duplicated (TT; older notation c.6020_6021dupTT).
Protein change: p.Asp2008fs; shifts the reading frame from aspartic acid 2008.
Molecular consequence: frameshift variant.
Genome position (GRCh38, 1-based): chr5:177,283,797-177,283,798, TT duplicated. VCF-style (leftmost placement, unchanged base first): chr5-177283796-A-ATT. GRCh37 (hg19) VCF-style: chr5-176710797-A-ATT.
Other names: c.6020_6021dupTT (NM_022455.4); c.5147_5148dup, p.Asp1717Leufs (NM_001365684.2, NM_001409308.1, NM_172349.5); c.6020_6021dup, p.Asp2008Leufs (NM_001409301.1, NM_001409302.1, NM_001409303.1); c.5600_5601dup, p.Asp1868Leufs (NM_001409304.1); c.5267_5268dup, p.Asp1757Leufs (NM_001409305.1); c.5258_5259dup, p.Asp1754Leufs (NM_001409306.1, NM_001409307.1); short protein forms D2008fs, D1739fs.
Identifiers: ClinVar variation 454057 (VCV000454057.6), dbSNP rs1554204923, ClinGen allele CA658655913.

ClinVar aggregate classification (germline): Pathogenic. Review status: criteria provided, single submitter (1 of 4 stars). 2 submissions from 1 submitter: Pathogenic (2). Last evaluated 2017-07-24.

Conditions:
Sotos syndrome (SOTOS). Also called: CEREBRAL GIGANTISM; Sotos' syndrome; Distinctive facial appearance, overgrowth in childhood, and learning disabilities or delayed development; CHROMOSOME 5q35 DELETION SYNDROME; SOTOS SYNDROME 1. Identifiers: Orphanet 821, MedGen C0175695, MONDO:0019349, OMIM 117550.
Beckwith-Wiedemann syndrome (BWS). Also called: Exomphalos macroglossia gigantism syndrome; EMG SYNDROME. Identifiers: Orphanet 116, MedGen C0004903, MONDO:0007534, OMIM 130650.

Submissions (2):

Labcorp Genetics (formerly Invitae), Labcorp
Classification: Pathogenic for Beckwith-Wiedemann syndrome. Last evaluated: 2017-07-24. Review status: criteria provided, single submitter. Criteria: Invitae Variant Classification Sherloc (09022015). Collection method: clinical testing. Allele origin: germline.
Comment: This sequence change creates a premature translational stop signal (p.Asp2008Leufs*13) in the NSD1 gene. It is expected to result in an absent or disrupted protein product. This variant is not present in population databases (ExAC no frequency). This variant has not been reported in the literature in individuals with NSD1-related disease. Loss-of-function variants in NSD1 are known to be pathogenic (PMID: 12464997, 14571271, 15942875, 16247291). For these reasons, this variant has been classified as Pathogenic.

Labcorp Genetics (formerly Invitae), Labcorp
Classification: Pathogenic. Last evaluated: 2017-07-13. Review status: criteria provided, single submitter. Criteria: Invitae Variant Classification Sherloc (09022015). Collection method: clinical testing. Allele origin: germline.
Comment: the same text as in the submission from Labcorp Genetics (formerly Invitae), Labcorp above.

Literature cited by the submitters: PubMed 12464997; PubMed 14571271; PubMed 15942875; PubMed 16247291.